The following is an entry in ClinVar:

NM_020771.4(HACE1):c.23T>C (p.Leu8Pro)

Genes: HACE1 (HECT domain and ankyrin repeat containing E3 ubiquitin protein ligase 1; minus strand), LOC113121301 (Sharpr-MPRA regulatory region 9880; plus strand). Cytogenetic location: 6q16.3.
Variant type: single nucleotide variant.
Coding change: c.23T>C on transcript NM_020771.4 (MANE Select); coding-DNA position 23, T replaced by C.
Protein change: p.Leu8Pro; replaces leucine 8 with proline.
Molecular consequence: missense variant. On other transcripts: 5 prime UTR variant (6), non-coding transcript variant (7).
Genome position (GRCh38, 1-based): chr6:104,859,620, A>G on the plus strand (T>C on the coding strand, the complement: HACE1 is on the minus strand). VCF-style: chr6-104859620-A-G. GRCh37 (hg19) VCF-style: chr6-105307495-A-G.
Other names: c.23T>C, p.Leu8Pro (NM_001321080.2, NM_001350555.2); c.-138T>C (NM_001350554.2); c.-388T>C (NM_001350556.2); c.-323T>C (NM_001350557.2); c.-399T>C (NM_001350558.2); c.-345T>C (NM_001350559.2); c.-553T>C (NM_001350560.2); c.23T>C (NM_020771.3); short protein forms L8P.
Identifiers: ClinVar variation 1978890 (VCV001978890.2), dbSNP rs1286967893, ClinGen allele CA365138791.
Genomic context (GRCh38, chr6:104,859,620, plus strand): 5'-GGCTCACCCTCGGGCAACTCCACGGTGCGCGCGCGGCGCAGCGAGCGCGTCAGGCGGTTG[A>G]GTTGCTCCATCGCTCTCTCCATCCTCGGCGCGCCCTCCGCGATCCTCCGCGATCAGCCGC-3'
Protein context (NP_065822.2, residues 1-18): MERAMEQ[Leu8Pro]NRLTRSLRRA

ClinVar aggregate classification (germline): Uncertain significance. Review status: criteria provided, multiple submitters, no conflicts (2 of 4 stars). 2 submissions from 2 submitters: Uncertain significance (2). Last evaluated 2023-12-30.

Conditions:
Inborn genetic diseases. Identifiers: MedGen C0950123, MeSH D030342.

Allele frequency attached by ClinVar (database versions not stated): gnomAD 0.00002; gnomAD exomes 0.00005; TOPMed 0.00001.
gnomAD v4.1: 29 of 1,532,624 alleles (0.0019%); highest among the groups gnomAD compares: Non-Finnish European, 0.0024%; no homozygotes.

Submissions (2):

Ambry Genetics
Classification: Uncertain significance for Inborn genetic diseases. Last evaluated: 2023-12-30. Review status: criteria provided, single submitter. Criteria: Ambry Variant Classification Scheme 2023. Collection method: clinical testing. Allele origin: germline.

Labcorp Genetics (formerly Invitae), Labcorp
Classification: Uncertain significance. Last evaluated: 2022-04-30. Review status: criteria provided, single submitter. Criteria: Invitae Variant Classification Sherloc (09022015). Collection method: clinical testing. Allele origin: germline.
Comment: This sequence change replaces leucine, which is neutral and non-polar, with proline, which is neutral and non-polar, at codon 8 of the HACE1 protein (p.Leu8Pro). This variant is present in population databases (no rsID available, gnomAD 0.007%). This variant has not been reported in the literature in individuals affected with HACE1-related conditions. Algorithms developed to predict the effect of missense changes on protein structure and function are either unavailable or do not agree on the potential impact of this missense change (SIFT: "Deleterious"; PolyPhen-2: "Benign"; Align-GVGD: "Class C35"). In summary, the available evidence is currently insufficient to determine the role of this variant in disease. Therefore, it has been classified as a Variant of Uncertain Significance.